The following is an entry in ClinVar:

ClinVar aggregate classification (germline): Likely pathogenic. Review status: criteria provided, multiple submitters, no conflicts (2 of 4 stars). 2 submissions from 2 submitters: Likely pathogenic (2). Last evaluated 2024-12-30.

Conditions:
Glutaric acidemia type 2C.
Multiple acyl-CoA dehydrogenase deficiency (MADD). Also called: Glutaric Acidemia type 2; ETHYLMALONIC-ADIPICACIDURIA; GA II; Glutaric acidemia type II; GA 2; Glutaric aciduria, type 2. Identifiers: Orphanet 26791, MedGen C0268596, MONDO:0009282, OMIM 231680.

Allele frequency attached by ClinVar (database versions not stated): gnomAD exomes below 0.00001.
gnomAD v4.1: 3 of 1,526,252 alleles (0.0002%); highest among the groups gnomAD compares: Non-Finnish European, 0.00018%; no homozygotes.

Submissions (2):

Natera, Inc.
Classification: Likely pathogenic for Glutaric acidemia type 2C. Last evaluated: 2024-12-30. Review status: criteria provided, single submitter. Criteria: Natera Variant Classification Schema (03/2026). Collection method: clinical testing. Allele origin: germline.
Comment: The c.606+1G>A variant in ETFDH is a canonical splice donor site variant predicted to affect pre-mRNA splicing, which may result in an abnormal transcript and altered protein product. This variant is expected to result in nonsense mediated decay, truncation, or a dysfunctional protein product. This variant is rare in the general population with a frequency below the threshold expected for the associated phenotype(s). Given the available evidence, this variant is classified as Likely Pathogenic.

Labcorp Genetics (formerly Invitae), Labcorp
Classification: Likely pathogenic for Multiple acyl-CoA dehydrogenase deficiency. Last evaluated: 2024-07-23. Review status: criteria provided, single submitter. Criteria: Invitae Variant Classification Sherloc (09022015). Collection method: clinical testing. Allele origin: germline.
Comment: This sequence change affects a donor splice site in intron 5 of the ETFDH gene. It is expected to disrupt RNA splicing. Variants that disrupt the donor or acceptor splice site typically lead to a loss of protein function (PMID: 16199547), and loss-of-function variants in ETFDH are known to be pathogenic (PMID: 16510302, 23785301). This variant is present in population databases (no rsID available, gnomAD 0.0009%). Disruption of this splice site has been observed in individual(s) with multiple acyl-CoA dehydrogenasedeficiency (PMID: 31268564). ClinVar contains an entry for this variant (Variation ID: 1521873). Algorithms developed to predict the effect of sequence changes on RNA splicing suggest that this variant may disrupt the consensus splice site. In summary, the currently available evidence indicates that the variant is pathogenic, but additional data are needed to prove that conclusively. Therefore, this variant has been classified as Likely Pathogenic.

Literature cited by the submitters: PubMed 16199547 (cited by Labcorp Genetics (formerly Invitae), Labcorp); PubMed 16510302 (cited by Labcorp Genetics (formerly Invitae), Labcorp); PubMed 23785301 (cited by Labcorp Genetics (formerly Invitae), Labcorp); PubMed 31268564 (cited by Labcorp Genetics (formerly Invitae), Labcorp).

NM_004453.4(ETFDH):c.606+1G>A

Gene: ETFDH (electron transfer flavoprotein dehydrogenase; plus strand). Cytogenetic location: 4q32.1.
Variant type: single nucleotide variant.
Coding change: c.606+1G>A on transcript NM_004453.4 (MANE Select); the canonical splice donor site of the intron after coding-DNA position 606, G replaced by A.
Molecular consequence: splice donor variant.
Genome position (GRCh38, 1-based): chr4:158,685,220, G>A. VCF-style: chr4-158685220-G-A. GRCh37 (hg19) VCF-style: chr4-159606372-G-A.
Other names: c.465+1G>A (NM_001281737.2); c.423+1G>A (NM_001281738.1); c.606+1G>A (NM_004453.3).
Identifiers: ClinVar variation 1521873 (VCV001521873.9), dbSNP rs1241072742, ClinGen allele CA358575615.